The following is an entry in ClinVar:

ClinVar aggregate classification (germline): Pathogenic/Likely pathogenic. Review status: criteria provided, multiple submitters, no conflicts (2 of 4 stars). 15 submissions from 15 submitters: Pathogenic (12); Likely pathogenic (1). 2 of the submissions do not count toward it. Last evaluated 2026-02-01.

Conditions:
KCNQ1-related disorder. Also called: KCNQ1-related condition; KCNQ1-related disorders. Identifiers: MedGen CN239322.
Cardiovascular phenotype. Identifiers: MedGen CN230736.
Familial long QT syndrome (RWS). Also called: Congenital long QT syndrome; Romano-Ward syndrome; VENTRICULAR FIBRILLATION WITH PROLONGED QT INTERVAL. Identifiers: Orphanet 768, MedGen C1141890, MONDO:0019171.
Atrial fibrillation, familial, 3 (ATFB3). Identifiers: MedGen C1837014, MONDO:0011857, OMIM 607554.
Long QT syndrome 1 (LQT1). Identifiers: Orphanet 101016, Orphanet 768, MedGen C4551647, MONDO:0100316, OMIM 192500, MONDO:0008646.
Beckwith-Wiedemann syndrome (BWS). Also called: Exomphalos macroglossia gigantism syndrome; EMG SYNDROME. Identifiers: Orphanet 116, MedGen C0004903, MONDO:0007534, OMIM 130650.
Jervell and Lange-Nielsen syndrome 1 (JLNS1). Also called: CARDIOAUDITORY SYNDROME OF JERVELL AND LANGE-NIELSEN; DEAFNESS, CONGENITAL, AND FUNCTIONAL HEART DISEASE; PROLONGED QT INTERVAL IN EKG AND SUDDEN DEATH; SURDO-CARDIAC SYNDROME. Identifiers: Orphanet 768, Orphanet 90647, MedGen C4551509, MONDO:0024540, OMIM 220400.
Short QT syndrome type 2. Identifiers: Orphanet 51083, MedGen C1865019, MONDO:0012313, OMIM 609621.
Long QT syndrome (LQTS). Identifiers: MedGen C0023976, MeSH D008133, MONDO:0002442. Disease mechanism: loss of function. Inheritance: Various modes of inheritance.

Allele frequency attached by ClinVar (database versions not stated): gnomAD 0.00001; gnomAD exomes below 0.00001; TOPMed below 0.00001.
gnomAD v4.1: 5 of 1,567,782 alleles (0.00032%); highest among the groups gnomAD compares: Non-Finnish European, 0.00043%; no homozygotes.

Submissions 1 to 10 of 15:

CeGaT Center for Human Genetics Tuebingen
Classification: Pathogenic. Last evaluated: 2026-02-01. Review status: criteria provided, single submitter. Criteria: CeGaT Center For Human Genetics Tuebingen Variant Classification Criteria Version 2. Collection method: clinical testing. Allele origin: germline. Affected: yes. Observed: 2 variant alleles.
Comment: KCNQ1: PP1:Strong, PM1, PM2, PM5, PS4:Moderate, PP3, PS3:Supporting

Labcorp Genetics (formerly Invitae), Labcorp
Classification: Pathogenic for Long QT syndrome. Last evaluated: 2025-04-28. Review status: criteria provided, single submitter. Criteria: Invitae Variant Classification Sherloc (09022015). Collection method: clinical testing. Allele origin: germline.
Comment: This sequence change replaces arginine, which is basic and polar, with tryptophan, which is neutral and slightly polar, at codon 539 of the KCNQ1 protein (p.Arg539Trp). The frequency data for this variant in the population databases is considered unreliable, as metrics indicate poor data quality at this position in the gnomAD database. This missense change has been observed in individuals with long QT syndrome (PMID: 10728423, 14678125, 15840476, 23098067, 23631430). It has also been observed to segregate with disease in related individuals. ClinVar contains an entry for this variant (Variation ID: 52998). Invitae Evidence Modeling of protein sequence and biophysical properties (such as structural, functional, and spatial information, amino acid conservation, physicochemical variation, residue mobility, and thermodynamic stability) indicates that this missense variant is expected to disrupt KCNQ1 protein function with a positive predictive value of 95%. Experimental studies have shown that this missense change affects KCNQ1 function (PMID: 10728423, 15746441, 16556866, 21576493, 23251633, 24681627, 25559286). For these reasons, this variant has been classified as Pathogenic.

All of Us Research Program, National Institutes of Health
Classification: Pathogenic for Long QT syndrome. Last evaluated: 2024-05-14. Review status: criteria provided, single submitter. Criteria: ACMG Guidelines, 2015. Collection method: clinical testing. Allele origin: germline. Inheritance: Autosomal dominant inheritance. Observed: 1 variant allele, 1 heterozygote.
Comment: This missense variant replaces arginine with tryptophan at codon 539 of the KCNQ1 protein. This variant is found within a highly conserved region in C-terminal cytoplasmic domain (a.a. 535-572). Rare non-truncating variants in this region have been shown to be significantly overrepresented in individuals with long QT syndrome (PMID: 32893267). Functional studies have shown that this variant leads to a reduction in PIP2 binding affinity, resulting in a decreased current amplitude of the potassium channel (PMID: 10728423, 15746441, 21576493, 23251633, 24681627, 25234465). This variant has been reported in over 10 unrelated individuals affected with long QT syndrome (PMID: 10728423, 19841300, 32421437, 32893267), as well as in multiple individuals suspected of having long QT syndrome (PMID: 15840476, 28549997, 32383558). It has been shown that this variant segregates with disease in a family with 6 affected carriers (PMID: 10728423). This variant has been identified in 1/31382 chromosomes in the general population by the Genome Aggregation Database (gnomAD). Based on the available evidence, this variant is classified as Pathogenic.

This study involves interpretation of variants in research participants for the purpose of population health screening. Participant phenotype was not available at the time of variant classification. Additional details can be found in publication PMID: 35346344, PMCID: PMC8962531

Ambry Genetics
Classification: Pathogenic for Cardiovascular phenotype. Last evaluated: 2024-05-09. Review status: criteria provided, single submitter. Criteria: Ambry Variant Classification Scheme 2023. Collection method: clinical testing. Allele origin: germline.
Comment: The p.R539W pathogenic mutation (also known as c.1615C>T), located in coding exon 13 of the KCNQ1 gene, results from a C to T substitution at nucleotide position 1615. The arginine at codon 539 is replaced by tryptophan, an amino acid with dissimilar properties, and is located in the C-terminal region of the protein. This alteration has been previously detected in unrelated individuals with reported or suspected long QT syndrome (Chouabe C et al. Cardiovasc Res. 2000;45(4):971-80; Zareba W et al. J Cardiovasc Electrophysiol. 2003;14(11):1149-53; Tester DJ et al. Heart Rhythm. 2005;2(5):507-17; Kapa S et al. Circulation. 2009;120(18):1752-60; Kapplinger JD et al. Heart Rhythm. 2009;6(9):1297-303; Choi G et al. Circulation. 2004;110(15):2119-24). This alteration was also reported to co-segregate with prolonged QTc interval, syncope and sudden death in one family in the literature (Chouabe C et al. Cardiovasc Res. 2000;45(4):971-80). Furthermore, functional studies have reported this alteration to result in abnormal ion channel function (Park KH et al. Circ Res. 2005;96(7):730-9; Peroz D et al. J Physiol (Lond). 2008;586(7):1785-9; Coyan FC et al. PLoS ONE. 2014;9(3):e93255). In addition, this alteration is predicted to be deleterious by in silico analysis. Based on the supporting evidence, this alteration is interpreted as a disease-causing mutation.

Blueprint Genetics
Classification: Pathogenic for KCNQ1-related disorders. Last evaluated: 2024-04-25. Review status: criteria provided, single submitter. Criteria: ACMG Guidelines, 2015. Collection method: clinical testing. Allele origin: germline. Affected: yes. Observed: 5 variant alleles.

Molecular Genetics Laboratory - Cardiogenetics, CHU de Nantes
Classification: Pathogenic for Long QT syndrome 1. Last evaluated: 2023-08-01. Review status: criteria provided, single submitter. Criteria: ACMG Guidelines, 2015. Collection method: clinical testing. Allele origin: germline. Affected: yes.

Fulgent Genetics
Classification: Pathogenic for Beckwith-Wiedemann syndrome; Long QT syndrome 1; Jervell and Lange-Nielsen syndrome 1; Atrial fibrillation, familial, 3; Short QT syndrome type 2. Last evaluated: 2021-11-05. Review status: criteria provided, single submitter. Criteria: ACMG Guidelines, 2015. Collection method: clinical testing. Allele origin: unknown.

Revvity Omics, Revvity
Classification: Likely pathogenic. Last evaluated: 2020-07-31. Review status: criteria provided, single submitter. Criteria: ACMG Guidelines, 2015. Collection method: clinical testing. Allele origin: germline.

Victorian Clinical Genetics Services, Murdoch Childrens Research Institute
Classification: Pathogenic for Long QT syndrome 1. Last evaluated: 2020-07-02. Review status: criteria provided, single submitter. Criteria: ACMG Guidelines, 2015. Collection method: clinical testing. Allele origin: germline.
Comment: Based on the classification scheme VCGS_Germline_v1.3.3, this variant is classified as Pathogenic. Following criteria are met: 0103 - Dominant negative, loss of function and gain of function are known mechanisms of disease in this gene. Gain of function mutations result exclusively in Short QT syndrome, while dominant negative and loss of function mutations can cause Long QT syndrome (LQTS), atrial fibrillation and Jervell and Lange-Nielson syndrome (JLNS) (OMIM, PMID: 19632626, PMID: 28438721). (I) 0108 - This gene is known to be associated with both recessive and dominant disease. JLNS is a more severe form of LQTS, and is the only condition caused by biallelic mutations (PMID: 28438721). (I) 0112 - The condition associated with this gene has incomplete penetrance (GeneReviews, OMIM). (I) 0200 - Variant is predicted to result in a missense amino acid change from arginine to tryptophan. (I) 0251 - This variant is heterozygous. (I) 0302 - Variant is present in gnomAD (v2) <0.001 for a dominant condition (1 heterozygote, 0 homozygotes). (SP) 0501 - Missense variant consistently predicted to be damaging by multiple in silico tools or highly conserved with a major amino acid change. (SP) 0600 - Variant is located in the annotated C-terminal tail of the KCNQ voltage-gated potassium channel domain (PMID: 10728423, NCBI, Decipher, PDB). (I) 0801 - This variant has strong previous evidence of pathogenicity in unrelated individuals with Long QT syndrome (ClinVar, PMID: 10728423, 14678125, 23098067 and 32431610). (SP) 1208 - Inheritance information for this variant is not currently available in this individual. (I) Legend: (SP) - Supporting pathogenic, (I) - Information, (SB) - Supporting benign

MVZ Martinsried, Medicover Genetics
Classification: Pathogenic for Long QT syndrome 1. Last evaluated: 2019-11-08. Review status: criteria provided, single submitter. Criteria: ACMG Guidelines, 2015. Collection method: clinical testing. Allele origin: unknown. Affected: yes.

NM_000218.3(KCNQ1):c.1615C>T (p.Arg539Trp)

Gene: KCNQ1 (potassium voltage-gated channel subfamily Q member 1; plus strand). Cytogenetic location: 11p15.5.
Variant type: single nucleotide variant.
Coding change: c.1615C>T on transcript NM_000218.3 (MANE Select); coding-DNA position 1615, C replaced by T.
Protein change: p.Arg539Trp; replaces arginine 539 with tryptophan.
Molecular consequence: missense variant.
Genome position (GRCh38, 1-based): chr11:2,775,984, C>T. VCF-style: chr11-2775984-C-T. GRCh37 (hg19) VCF-style: chr11-2797214-C-T.
Other names: c.1615C>T (LRG_287t1); c.1519C>T, p.Arg507Trp (NM_001406836.1); c.1345C>T, p.Arg449Trp (NM_001406837.1); c.1075C>T, p.Arg359Trp (NM_001406838.1); c.1234C>T, p.Arg412Trp (NM_181798.2); short protein forms R539W, R412W, R449W, R507W, R359W.
Identifiers: ClinVar variation 52998 (VCV000052998.69), dbSNP rs199472795, ClinGen allele CA005994.